The following is an entry in ClinVar:

NM_014780.5(CUL7):c.2014A>T (p.Ser672Cys)

Gene: CUL7 (cullin 7; minus strand). Cytogenetic location: 6p21.1.
Variant type: single nucleotide variant.
Coding change: c.2014A>T on transcript NM_014780.5 (MANE Select); coding-DNA position 2014, A replaced by T.
Protein change: p.Ser672Cys; replaces serine 672 with cysteine.
Molecular consequence: missense variant.
Genome position (GRCh38, 1-based): chr6:43,048,381, T>A on the plus strand (A>T on the coding strand, the complement: CUL7 is on the minus strand). VCF-style: chr6-43048381-T-A. GRCh37 (hg19) VCF-style: chr6-43016119-T-A.
Other names: c.2110A>T, p.Ser704Cys (NM_001168370.2, NM_001374872.1); c.2014A>T, p.Ser672Cys (NM_001374873.1, NM_001374874.1); short protein forms S672C, S704C.
Identifiers: ClinVar variation 3664784 (VCV003664784.2).
Genomic context (GRCh38, chr6:43,048,381, plus strand): 5'-CATGCTCTCACCTCAGCACAGTCAGGTGCAGGGTCCTGTTAGTCTCCGGAGTGTCCAGGC[T>A]CTGCATCAGTGCCAGGAAGGGCTGCGGCTGCCGCTGCAGCTGCAGCAGGAGTGGCTTGAC-3'
Protein context (NP_055595.2, residues 662-682): QPQPFLALMQ[Ser672Cys]LDTPETNRTL

ClinVar aggregate classification (germline): Uncertain significance (1 of 4 stars; one submission).

gnomAD v4.1: 16 of 1,613,038 alleles (0.00099%); highest among the groups gnomAD compares: African/African-American, 0.02%; no homozygotes.

Submission:

Labcorp Genetics (formerly Invitae), Labcorp
Classification: Uncertain significance. Last evaluated: 2024-11-14. Review status: criteria provided, single submitter. Criteria: Invitae Variant Classification Sherloc (09022015). Collection method: clinical testing. Allele origin: germline.
Comment: This sequence change replaces serine, which is neutral and polar, with cysteine, which is neutral and slightly polar, at codon 672 of the CUL7 protein (p.Ser672Cys). This variant is present in population databases (rs147475487, gnomAD 0.02%). This variant has not been reported in the literature in individuals affected with CUL7-related conditions. Invitae Evidence Modeling of protein sequence and biophysical properties (such as structural, functional, and spatial information, amino acid conservation, physicochemical variation, residue mobility, and thermodynamic stability) indicates that this missense variant is not expected to disrupt CUL7 protein function with a negative predictive value of 80%. In summary, the available evidence is currently insufficient to determine the role of this variant in disease. Therefore, it has been classified as a Variant of Uncertain Significance.